The following is an entry in ClinVar:

NC_000023.11:g.(?_31836708)_(31879410_?)del

Genes: DMD (dystrophin; minus strand), LOC129391296 (MPRA-validated peak7373 silencer; plus strand). Cytogenetic location: Xp21.1.
Variant type: Deletion.
Identifiers: ClinVar variation 662835 (VCV000662835.2).

ClinVar aggregate classification (germline): Pathogenic (1 of 4 stars; one submission).

Conditions:
Duchenne muscular dystrophy (DMD). Also called: MUSCULAR DYSTROPHY, PSEUDOHYPERTROPHIC PROGRESSIVE, DUCHENNE TYPE; Duchenne Muscular Dystrophy (DMD). Identifiers: Orphanet 98896, MedGen C0013264, MONDO:0010679, OMIM 310200.

Submission:

Labcorp Genetics (formerly Invitae), Labcorp
Classification: Pathogenic for Duchenne muscular dystrophy. Last evaluated: 2019-12-19. Review status: criteria provided, single submitter. Criteria: Invitae Variant Classification Sherloc (09022015). Collection method: clinical testing. Allele origin: germline.
Comment: This variant is an in-frame deletion of the genomic region encompassing exons 48-49. It preserves the integrity of the reading frame. This variant has been reported in the hemizygous state in multiple individuals affected Becker muscular dystrophy (BMD) (PMID: 15841391, 2063877) and X-linked dilated cardiomyopathy (DCM) (PMID: 21851881). For these reasons, this variant has been classified as Pathogenic.

Literature cited by the submitters: PubMed 15841391; PubMed 2063877; PubMed 21851881.